The following is an entry in ClinVar:

NM_006978.3(RNF113A):c.780C>G (p.Phe260Leu)

Gene: RNF113A (ring finger protein 113A; minus strand). Cytogenetic location: Xq24.
Variant type: single nucleotide variant.
Coding change: c.780C>G on transcript NM_006978.3 (MANE Select); coding-DNA position 780, C replaced by G.
Protein change: p.Phe260Leu; replaces phenylalanine 260 with leucine.
Molecular consequence: missense variant.
Genome position (GRCh38, 1-based): chrX:119,870,834, G>C on the plus strand (C>G on the coding strand, the complement: RNF113A is on the minus strand). VCF-style: chrX-119870834-G-C. GRCh37 (hg19) VCF-style: chrX-119004797-G-C.
Other names: short protein forms F260L.
Identifiers: ClinVar variation 3710708 (VCV003710708.2).
Genomic context (GRCh38, chrX:119,870,834, plus strand): 5'-ATAATGCCTGCACTTGGTGACAACTGGGTTTTGGAAGCTCTGGCGACAGATGAAACACTT[G>C]AATGGTATTTCCTCATCATCGCTTCCCACTTCATAGTTTTCATCCTCATAGACACCATAG-3'
Protein context (NP_008909.1, residues 250-270): EVGSDDEEIP[Phe260Leu]KCFICRQSFQ

ClinVar aggregate classification (germline): Uncertain significance (1 of 4 stars; one submission).

Submission:

Labcorp Genetics (formerly Invitae), Labcorp
Classification: Uncertain significance. Last evaluated: 2024-10-13. Review status: criteria provided, single submitter. Criteria: Invitae Variant Classification Sherloc (09022015). Collection method: clinical testing. Allele origin: germline.
Comment: This sequence change replaces phenylalanine, which is neutral and non-polar, with leucine, which is neutral and non-polar, at codon 260 of the RNF113A protein (p.Phe260Leu). This variant is not present in population databases (gnomAD no frequency). This variant has not been reported in the literature in individuals affected with RNF113A-related conditions. Invitae Evidence Modeling of protein sequence and biophysical properties (such as structural, functional, and spatial information, amino acid conservation, physicochemical variation, residue mobility, and thermodynamic stability) indicates that this missense variant is not expected to disrupt RNF113A protein function with a negative predictive value of 80%. In summary, the available evidence is currently insufficient to determine the role of this variant in disease. Therefore, it has been classified as a Variant of Uncertain Significance.